The following is an entry in ClinVar:

ClinVar aggregate classification (germline): Uncertain significance. Review status: criteria provided, single submitter (1 of 4 stars). 2 submissions from 2 submitters: Uncertain significance (1). 1 of the submissions does not count toward it. Last evaluated 2023-09-23.

Conditions:
ANG-related disorder. Also called: ANG-related condition.

Allele frequency attached by ClinVar (database versions not stated): ESP Exome Variant Server 0.00008.
gnomAD v4.1: 26 of 1,613,978 alleles (0.0016%); highest among the groups gnomAD compares: Non-Finnish European, 0.0022%; no homozygotes.

Submissions (2):

Labcorp Genetics (formerly Invitae), Labcorp
Classification: Uncertain significance. Last evaluated: 2023-09-23. Review status: criteria provided, single submitter. Criteria: Invitae Variant Classification Sherloc (09022015). Collection method: clinical testing. Allele origin: germline.
Comment: This sequence change replaces arginine, which is basic and polar, with leucine, which is neutral and non-polar, at codon 119 of the ANG protein (p.Arg119Leu). This variant is present in population databases (rs141398857, gnomAD 0.002%). In summary, the available evidence is currently insufficient to determine the role of this variant in disease. Therefore, it has been classified as a Variant of Uncertain Significance. An algorithm developed to predict the effect of missense changes on protein structure and function (PolyPhen-2) suggests that this variant is likely to be disruptive. This variant has not been reported in the literature in individuals affected with ANG-related conditions.

PreventionGenetics, part of Exact Sciences
Classification: Uncertain significance for ANG-related condition. Last evaluated: 2024-05-23. Review status: no assertion criteria provided. Collection method: clinical testing. Allele origin: germline. Not counted in ClinVar's aggregate classification.
Comment: The ANG c.356G>T variant is predicted to result in the amino acid substitution p.Arg119Leu. To our knowledge, this variant has not been reported in the literature. This variant is reported in 0.0040% of alleles in individuals of African descent in gnomAD. At this time, the clinical significance of this variant is uncertain due to the absence of conclusive functional and genetic evidence.

NM_001097577.3(ANG):c.356G>T (p.Arg119Leu)

Genes: ANG (angiogenin; plus strand), EGILA (EGFR interacting lncRNA; minus strand), RNASE4 (ribonuclease A family member 4; plus strand). Cytogenetic location: 14q11.2.
Variant type: single nucleotide variant.
Coding change: c.356G>T on transcript NM_001097577.3 (MANE Select); coding-DNA position 356, G replaced by T.
Protein change: p.Arg119Leu; replaces arginine 119 with leucine.
Molecular consequence: missense variant. On other transcripts: intron variant (4).
Genome position (GRCh38, 1-based): chr14:20,693,920, G>T. VCF-style: chr14-20693920-G-T. GRCh37 (hg19) VCF-style: chr14-21162079-G-T.
Other names: c.-18+270G>T (NM_001282192.2); c.-17-5435G>T (NM_002937.5, NM_001282193.2); c.-18+5046G>T (NM_194431.3); c.356G>T, p.Arg119Leu (NM_001145.4, NM_001385271.1, NM_001385272.1 and 2 more transcripts); short protein forms R119L.
Identifiers: ClinVar variation 2636742 (VCV002636742.5), dbSNP rs141398857, ClinGen allele CA7083179.